The following is an entry in ClinVar:

ClinVar aggregate classification (germline): Uncertain significance. Review status: criteria provided, multiple submitters, no conflicts (2 of 4 stars). 2 submissions from 2 submitters: Uncertain significance (2). Last evaluated 2025-09-05.

Conditions:
Inborn genetic diseases. Identifiers: MedGen C0950123, MeSH D030342.
PCNT-related disorder. Also called: PCNT-related condition.

gnomAD v4.1: 54 of 1,611,046 alleles (0.0034%); highest among the groups gnomAD compares: Admixed American, 0.03%; no homozygotes.

Submissions (2):

Ambry Genetics
Classification: Uncertain significance for Inborn genetic diseases. Last evaluated: 2025-09-05. Review status: criteria provided, single submitter. Criteria: Ambry Variant Classification Scheme 2023. Collection method: clinical testing. Allele origin: germline.

PreventionGenetics, part of Exact Sciences
Classification: Uncertain significance for PCNT-related condition. Last evaluated: 2025-08-19. Review status: criteria provided, single submitter. Criteria: ACMG Guidelines, 2015. Collection method: clinical testing. Allele origin: germline.
Comment: The PCNT c.5377G>A variant is predicted to result in the amino acid substitution p.Glu1793Lys. To our knowledge, this variant has not been reported in the literature. This variant is reported in 0.026% of alleles in individuals of Latino descent in gnomAD. At this time, the clinical significance of this variant is uncertain due to the absence of conclusive functional and genetic evidence.

NM_006031.6(PCNT):c.5377G>A (p.Glu1793Lys)

Gene: PCNT (pericentrin; plus strand). Cytogenetic location: 21q22.3.
Variant type: single nucleotide variant.
Coding change: c.5377G>A on transcript NM_006031.6 (MANE Select); coding-DNA position 5377, G replaced by A.
Protein change: p.Glu1793Lys; replaces glutamic acid 1793 with lysine.
Molecular consequence: missense variant.
Genome position (GRCh38, 1-based): chr21:46,411,450, G>A. VCF-style: chr21-46411450-G-A. GRCh37 (hg19) VCF-style: chr21-47831364-G-A.
Other names: c.5023G>A, p.Glu1675Lys (NM_001315529.2); short protein forms E1675K, E1793K.
Identifiers: ClinVar variation 2570296 (VCV002570296.5), dbSNP rs201379409, ClinGen allele CA10079967.